The following is an entry in ClinVar:

NM_000391.4(TPP1):c.17+1G>A

Gene: TPP1 (tripeptidyl peptidase 1; minus strand). Cytogenetic location: 11p15.4.
Variant type: single nucleotide variant.
Coding change: c.17+1G>A on transcript NM_000391.4 (MANE Select); the canonical splice donor site of the intron after coding-DNA position 17, G replaced by A.
Molecular consequence: splice donor variant.
Genome position (GRCh38, 1-based): chr11:6,619,383, C>T on the plus strand (G>A on the coding strand, the complement: TPP1 is on the minus strand). VCF-style: chr11-6619383-C-T. GRCh37 (hg19) VCF-style: chr11-6640614-C-T.
Identifiers: ClinVar variation 553258 (VCV000553258.5), dbSNP rs779615685, ClinGen allele CA379477089.

ClinVar aggregate classification (germline): Likely pathogenic. Review status: criteria provided, single submitter (1 of 4 stars). 2 submissions from 2 submitters: Likely pathogenic (1). 1 of the submissions does not count toward it. Last evaluated 2022-11-01.

Conditions:
Neuronal ceroid lipofuscinosis 2. Also called: JANSKY-BIELSCHOWSKY DISEASE NEURONAL CEROID LIPOFUSCINOSIS, LATE INFANTILE; TPP1-Related Neuronal Ceroid-Lipofuscinosis. Identifiers: Orphanet 168491, Orphanet 228349, Orphanet 79264, MedGen C1876161, MONDO:0008769, OMIM 204500.

Submissions (2):

Labcorp Genetics (formerly Invitae), Labcorp
Classification: Likely pathogenic. Last evaluated: 2022-11-01. Review status: criteria provided, single submitter. Criteria: Invitae Variant Classification Sherloc (09022015). Collection method: clinical testing. Allele origin: germline.
Comment: This sequence change affects a donor splice site in intron 1 of the TPP1 gene. It is expected to disrupt RNA splicing. Variants that disrupt the donor or acceptor splice site typically lead to a loss of protein function (PMID: 16199547), and loss-of-function variants in TPP1 are known to be pathogenic (PMID: 10330339). This variant is not present in population databases (gnomAD no frequency). Disruption of this splice site has been observed in individual(s) with neuronal ceroid lipofuscinosis (PMID: 19201763). ClinVar contains an entry for this variant (Variation ID: 553258). Algorithms developed to predict the effect of sequence changes on RNA splicing suggest that this variant may disrupt the consensus splice site. In summary, the currently available evidence indicates that the variant is pathogenic, but additional data are needed to prove that conclusively. Therefore, this variant has been classified as Likely Pathogenic.

Counsyl
Classification: Likely pathogenic for Neuronal ceroid lipofuscinosis 2. Last evaluated: 2017-08-10. Review status: no assertion criteria provided. Collection method: clinical testing. Allele origin: unknown. Not counted in ClinVar's aggregate classification.

Literature cited by the submitters: PubMed 16199547 (cited by Labcorp Genetics (formerly Invitae), Labcorp); PubMed 10330339 (cited by Labcorp Genetics (formerly Invitae), Labcorp); PubMed 19201763 (cited by Labcorp Genetics (formerly Invitae), Labcorp).